The following is an entry in ClinVar:

NM_003628.6(PKP4):c.1123A>G (p.Met375Val)

Gene: PKP4 (plakophilin 4; plus strand). Cytogenetic location: 2q24.1.
Variant type: single nucleotide variant.
Coding change: c.1123A>G on transcript NM_003628.6 (MANE Select); coding-DNA position 1123, A replaced by G.
Protein change: p.Met375Val; replaces methionine 375 with valine.
Molecular consequence: missense variant.
Genome position (GRCh38, 1-based): chr2:158,625,397, A>G. VCF-style: chr2-158625397-A-G. GRCh37 (hg19) VCF-style: chr2-159481909-A-G.
Other names: c.1123A>G, p.Met375Val (NM_001005476.4, NM_001304969.3, NM_001304971.2 and 6 more transcripts); c.97A>G, p.Met33Val (NM_001304970.3); c.1117A>G, p.Met373Val (NM_001377222.1, NM_001377223.1, NM_001377224.1); short protein forms M33V, M375V, M373V.
Identifiers: ClinVar variation 5026805 (VCV005026805.1).

ClinVar aggregate classification (germline): Uncertain significance (1 of 4 stars; one submission).

Submission:

Ambry Genetics
Classification: Uncertain significance. Last evaluated: 2026-08-24. Review status: criteria provided, single submitter. Criteria: Ambry Variant Classification Scheme 2023. Collection method: clinical testing. Allele origin: germline.
Comment: The p.M375V variant (also known as c.1123A>G), located in coding exon 6 of the PKP4 gene, results from an A to G substitution at nucleotide position 1123. The methionine at codon 375 is replaced by valine, an amino acid with highly similar properties. This amino acid position is conserved. In addition, this alteration is predicted to be deleterious by in silico analysis. Based on the available evidence, the clinical significance of this variant remains unclear.